The following is an entry in ClinVar:

NM_020719.3(PRR12):c.3950_3951del (p.Val1317fs)

Gene: PRR12 (proline rich 12; plus strand). Cytogenetic location: 19q13.33.
Variant type: Microsatellite.
Coding change: c.3950_3951del on transcript NM_020719.3 (MANE Select); coding-DNA positions 3950 to 3951, 2 bases deleted (TG; older notation c.3950_3951delTG).
Protein change: p.Val1317fs; shifts the reading frame from valine 1317.
Molecular consequence: frameshift variant.
Genome position (GRCh38, 1-based): chr19:49,599,543-49,599,544, TG deleted; deleting any 2 consecutive bases within chr19:49,599,541-49,599,544 gives the same sequence; the c. name uses the placement nearest the transcript's 3' end. VCF-style (leftmost placement, unchanged base first): chr19-49599540-CTG-C. GRCh37 (hg19) VCF-style: chr19-50102797-CTG-C.
Other names: short protein forms V1317fs.
Identifiers: ClinVar variation 2505234 (VCV002505234.1), dbSNP rs2514277569, ClinGen allele CA2580614942.

ClinVar aggregate classification (germline): Likely pathogenic (1 of 4 stars; one submission).

Conditions:
Neuroocular syndrome. Identifiers: MedGen C5551362, MONDO:0859193.

Submission:

Greenwood Genetic Center Diagnostic Laboratories, Greenwood Genetic Center
Classification: Likely pathogenic for Neuroocular syndrome 1. Last evaluated: 2023-01-23. Review status: criteria provided, single submitter. Criteria: ACMG Guidelines, 2015. Collection method: clinical testing. Allele origin: germline. Affected: yes.
Comment: PVS1, PM2